The following is an entry in ClinVar:

ClinVar aggregate classification (germline): Uncertain significance (1 of 4 stars; one submission).

Allele frequency attached by ClinVar (database versions not stated): gnomAD 0.00001; gnomAD exomes 0.00001; TOPMed 0.00003.
gnomAD v4.1: 4 of 1,613,340 alleles (0.00025%); highest among the groups gnomAD compares: Admixed American, 0.0067%; no homozygotes.

Submission:

Labcorp Genetics (formerly Invitae), Labcorp
Classification: Uncertain significance. Last evaluated: 2022-10-17. Review status: criteria provided, single submitter. Criteria: Invitae Variant Classification Sherloc (09022015). Collection method: clinical testing. Allele origin: germline.
Comment: This sequence change replaces proline, which is neutral and non-polar, with threonine, which is neutral and polar, at codon 4150 of the FAT2 protein (p.Pro4150Thr). This variant is present in population databases (no rsID available, gnomAD 0.01%). This variant has not been reported in the literature in individuals affected with FAT2-related conditions. Algorithms developed to predict the effect of missense changes on protein structure and function are either unavailable or do not agree on the potential impact of this missense change (SIFT: "Deleterious"; PolyPhen-2: "Possibly Damaging"; Align-GVGD: "Class C0"). In summary, the available evidence is currently insufficient to determine the role of this variant in disease. Therefore, it has been classified as a Variant of Uncertain Significance.

NM_001447.3(FAT2):c.12448C>A (p.Pro4150Thr)

Genes: FAT2 (FAT atypical cadherin 2; minus strand), SLC36A1 (solute carrier family 36 member 1; plus strand). Cytogenetic location: 5q33.1.
Variant type: single nucleotide variant.
Coding change: c.12448C>A on transcript NM_001447.3 (MANE Select); coding-DNA position 12448, C replaced by A.
Protein change: p.Pro4150Thr; replaces proline 4150 with threonine.
Molecular consequence: missense variant.
Genome position (GRCh38, 1-based): chr5:151,507,223, G>T on the plus strand (C>A on the coding strand, the complement: FAT2 is on the minus strand). VCF-style: chr5-151507223-G-T. GRCh37 (hg19) VCF-style: chr5-150886784-G-T.
Other names: short protein forms P4150T.
Identifiers: ClinVar variation 1910389 (VCV001910389.5), dbSNP rs1254003449, ClinGen allele CA361818059.